The following is an entry in ClinVar:

NM_005640.3(TAF4B):c.1591-16_1591-15dup

Gene: TAF4B (TATA-box binding protein associated factor 4b; plus strand). Cytogenetic location: 18q11.2.
Variant type: Duplication.
Coding change: c.1591-16_1591-15dup on transcript NM_005640.3 (MANE Select); 16 bases into the intron before coding-DNA position 1591 through 15 bases into the intron before coding-DNA position 1591, 2 bases duplicated (GT; older notation c.1591-16_1591-15dupGT).
Molecular consequence: intron variant. On other transcripts: splice acceptor variant (1).
Genome position (GRCh38, 1-based): chr18:26,292,230-26,292,231, GT duplicated. VCF-style (leftmost placement, unchanged base first): chr18-26292229-A-AGT. GRCh37 (hg19) VCF-style: chr18-23872193-A-AGT.
Other names: c.1591-1_1591dup (NM_001293725.2).
Identifiers: ClinVar variation 4980832 (VCV004980832.1).
Genomic context (GRCh38, chr18:26,292,229, plus strand): 5'-GTTGTTTAAAACTGAAATCTTATCCTTTTCTAAAGCCTTAAGTTGAACAACTATATTGAT[A>AGT]GTTCTCATTGTTTCAGGTAGTTCAGCAGCCTTCAGGAGGCAATGAAAAACAAGTGACCAC-3'

ClinVar aggregate classification (germline): Likely benign (1 of 4 stars; one submission).

Conditions:
TAF4B-related disorder. Also called: TAF4B-related condition.

Submission:

PreventionGenetics, part of Exact Sciences
Classification: Likely benign for TAF4B-related condition. Last evaluated: 2026-05-19. Review status: criteria provided, single submitter. Criteria: ACMG Guidelines, 2015. Collection method: clinical testing. Allele origin: germline.
Comment: This variant is classified as likely benign based on ACMG/AMP sequence variant interpretation guidelines (Richards et al. 2015 PMID: 25741868, with internal and published modifications).